The following is an entry in ClinVar:

NM_000501.4(ELN):c.1189T>C (p.Tyr397His)

Gene: ELN (elastin; plus strand). Cytogenetic location: 7q11.23.
Variant type: single nucleotide variant.
Coding change: c.1189T>C on transcript NM_000501.4 (MANE Select); coding-DNA position 1189, T replaced by C.
Protein change: p.Tyr397His; replaces tyrosine 397 with histidine.
Molecular consequence: missense variant.
Genome position (GRCh38, 1-based): chr7:74,056,309, T>C. VCF-style: chr7-74056309-T-C. GRCh37 (hg19) VCF-style: chr7-73470639-T-C.
Other names: c.1159T>C, p.Tyr387His (NM_001081752.3, NM_001278917.2); c.1204T>C, p.Tyr402His (NM_001081753.3, NM_001081754.3); c.1189T>C, p.Tyr397His (NM_001081755.3, NM_001278912.2, NM_001278915.2 and 1 more transcripts); c.1081T>C, p.Tyr361His (NM_001278913.2); c.1174T>C, p.Tyr392His (NM_001278914.2); c.1147T>C, p.Tyr383His (NM_001278916.2); c.1057T>C, p.Tyr353His (NM_001278918.2); short protein forms Y353H, Y361H, Y383H, Y387H, Y392H, Y397H, Y402H.
Identifiers: ClinVar variation 2634488 (VCV002634488.1), dbSNP rs1419211262, ClinGen allele CA367881654.
Genomic context (GRCh38, chr7:74,056,309, plus strand): 5'-CTTGGCTCCCTTCCCTCTGCAGGGGCCAGGCCCGGAGTCGGAGTTGGAGGCATTCCTACT[T>C]ACGGGGTTGGAGCTGGGGGCTTTCCCGGCTTTGGTGTCGGAGTCGGAGGTATCCCTGGAG-3'
Protein context (NP_000492.2, residues 387-407): PGVGVGGIPT[Tyr397His]GVGAGGFPGF

ClinVar aggregate classification (germline): Uncertain significance (1 of 4 stars; one submission).

Conditions:
ELN-related disorder.

Allele frequency attached by ClinVar (database versions not stated): gnomAD exomes below 0.00001; TOPMed 0.00001.

Submission:

PreventionGenetics, part of Exact Sciences
Classification: Uncertain significance for ELN-related condition. Last evaluated: 2023-01-19. Review status: criteria provided, single submitter. Criteria: ACMG Guidelines, 2015. Collection method: clinical testing. Allele origin: germline.
Comment: The ELN c.1189T>C variant is predicted to result in the amino acid substitution p.Tyr397His. To our knowledge, this variant has not been reported in the literature or in a large population database, indicating this variant is rare. At this time, the clinical significance of this variant is uncertain due to the absence of conclusive functional and genetic evidence.